The following is an entry in ClinVar:

ClinVar aggregate classification (germline): Pathogenic/Likely pathogenic. Review status: criteria provided, multiple submitters, no conflicts (2 of 4 stars). 9 submissions from 9 submitters: Pathogenic (2); Likely pathogenic (5). 2 of the submissions do not count toward it. Last evaluated 2026-08-25.

Conditions:
Renal carnitine transport defect (CDSP). Also called: CARNITINE DEFICIENCY, SYSTEMIC, DUE TO DEFECT IN RENAL REABSORPTION OF CARNITINE; CARNITINE TRANSPORTER, PLASMA-MEMBRANE, DEFICIENCY OF; CARNITINE UPTAKE DEFECT; Carnitine Deficiency, Systemic; Primary carnitine deficiency; Systemic primary carnitine deficiency. Identifiers: Orphanet 158, MedGen C0342788, MONDO:0008919, OMIM 212140.
Carnitine deficiency. Identifiers: MedGen C1142132.
SLC22A5-related disorder. Also called: SLC22A5-related condition.

Allele frequency attached by ClinVar (database versions not stated): TOPMed below 0.00001; ExAC 0.00001; gnomAD 0.00001; gnomAD exomes 0.00001 and 0.00003.
gnomAD v4.1: 11 of 1,614,080 alleles (0.00068%); highest among the groups gnomAD compares: South Asian, 0.0044%; no homozygotes.

Submissions (9):

3billion
Classification: Likely pathogenic for Renal carnitine transport defect. Last evaluated: 2026-08-25. Review status: criteria provided, single submitter. Criteria: ACMG Guidelines, 2015. Collection method: clinical testing. Allele origin: germline. Inheritance: Autosomal recessive inheritance. Affected: yes.
Comment: The variant is observed at an extremely low frequency in the gnomAD v4.1.0 dataset (total allele frequency: <0.001%). Predicted Consequence/Location: Missense variant In silico tool predictions suggest damaging effect of the variant on gene or gene product [3Cnet: 0.970 (>= 0.75, sensitivity 0.96 and precision 0.92)]. The same nucleotide change resulting in the same amino acid change has been previously reported to be associated with SLC22A5-related disorder (ClinVar ID: VCV000553624.14 / PMID: 23520115). The variant has been reported to be in trans (confirmed or potential) with an additional pathogenic variant or VUS in at least one similarly affected unrelated individual (PMID: 33757571, 37603033 / 3billion dataset). Therefore, this variant is classified as Pathogenic (PS1_P, PM2_P, PM3_S, PP3_P) according to the recommendation of ACMG/AMP guideline.

Labcorp Genetics (formerly Invitae), Labcorp
Classification: Pathogenic for Renal carnitine transport defect. Last evaluated: 2025-09-05. Review status: criteria provided, single submitter. Criteria: Invitae Variant Classification Sherloc (09022015). Collection method: clinical testing. Allele origin: germline.
Comment: This sequence change replaces alanine, which is neutral and non-polar, with valine, which is neutral and non-polar, at codon 380 of the SLC22A5 protein (p.Ala380Val). This variant is present in population databases (rs746187344, gnomAD 0.01%). This missense change has been observed in individual(s) with primary carnitine deficiency (PMID: 23520115, 33757571). ClinVar contains an entry for this variant (Variation ID: 553624). Invitae Evidence Modeling of protein sequence and biophysical properties (such as structural, functional, and spatial information, amino acid conservation, physicochemical variation, residue mobility, and thermodynamic stability) indicates that this missense variant is expected to disrupt SLC22A5 protein function with a positive predictive value of 95%. For these reasons, this variant has been classified as Pathogenic.

First Genomix Gene Laboratory, Genetic Diagnostics Department
Classification: Likely pathogenic for Renal carnitine transport defect. Last evaluated: 2025-08-26. Review status: criteria provided, single submitter. Criteria: ACMG Guidelines, 2015. Collection method: clinical testing. Allele origin: germline. Inheritance: Autosomal recessive inheritance. Affected: no. Observed: 1 variant allele.

Natera, Inc.
Classification: Likely pathogenic for Carnitine deficiency. Last evaluated: 2025-07-24. Review status: criteria provided, single submitter. Criteria: Natera Variant Classification Schema (03/2026). Collection method: clinical testing. Allele origin: germline.
Comment: The c.1139C>T variant in SLC22A5 is a missense variant predicted to cause substitution of alanine to valine at amino acid 380. This variant is rare in the general population with a frequency below the threshold expected for the associated phenotype(s). This variant has been observed in one or more individuals affected with the associated recessive disease, as either homozygous or compound heterozygous with a second variant (PMID: 33181153, 38187300, 37603033, 32371215). Computational prediction algorithms indicate this variant is likely to affect gene or protein function. Given the available evidence, this variant is classified as Likely Pathogenic.

Women's Health and Genetics/Laboratory Corporation of America, LabCorp
Classification: Likely pathogenic for Renal carnitine transport defect. Last evaluated: 2025-06-05. Review status: criteria provided, single submitter. Criteria: LabCorp Variant Classification Summary - May 2015. Collection method: clinical testing. Allele origin: germline.
Comment: Variant summary: SLC22A5 c.1139C>T (p.Ala380Val) results in a non-conservative amino acid change located in the Major facilitator superfamily domain (IPR020846) of the encoded protein sequence. Algorithms developed to predict the effect of missense changes on protein structure and function all suggest that this variant is likely to be disruptive. The variant allele was found at a frequency of 2.8e-05 in 251476 control chromosomes. c.1139C>T has been observed in individual(s) affected with Systemic Primary Carnitine Deficiency (Chen_2013, Lin_2020, Lin_2021, Lin_2023). These data indicate that the variant is likely to be associated with disease. To our knowledge, no experimental evidence demonstrating an impact on protein function has been reported. The following publications have been ascertained in the context of this evaluation (PMID: 23520115, 32371215, 33181153, 38187300). ClinVar contains an entry for this variant (Variation ID: 553624). Based on the evidence outlined above, the variant was classified as likely pathogenic.

Blueprint Genetics
Classification: Pathogenic for SLC22A5-related disorders. Last evaluated: 2024-03-25. Review status: criteria provided, single submitter. Criteria: ACMG Guidelines, 2015. Collection method: clinical testing. Allele origin: germline. Affected: yes. Observed: 2 variant alleles.

Baylor Genetics
Classification: Likely pathogenic for Renal carnitine transport defect. Last evaluated: 2023-08-13. Review status: criteria provided, single submitter. Criteria: ACMG Guidelines, 2015. Collection method: clinical testing. Allele origin: unknown.

PreventionGenetics, part of Exact Sciences
Classification: Likely pathogenic for SLC22A5-related condition. Last evaluated: 2024-07-12. Review status: no assertion criteria provided. Collection method: clinical testing. Allele origin: germline. Not counted in ClinVar's aggregate classification.
Comment: The SLC22A5 c.1139C>T variant is predicted to result in the amino acid substitution p.Ala380Val. This variant has been reported in the compound heterozygous state in several individuals with biochemical features consistent with primary carnitine deficiency (see for example Chen et al 2013. PubMed ID: 23520115; Lin et al 2020. PubMed ID: 33181153). This variant is reported in 0.011% of alleles in individuals of East Asian descent in gnomAD. This variant has interpretations of uncertain significance (2), likely pathogenic (1), and pathogenic (1) in ClinVar. This variant is interpreted as likely pathogenic.

Counsyl
Classification: Uncertain significance for Renal carnitine transport defect. Last evaluated: 2017-11-14. Review status: flagged submission. Collection method: clinical testing. Allele origin: unknown. Not counted in ClinVar's aggregate classification.
ClinVar note: Reason: Older and outlier claim with insufficient supporting evidence

Literature cited by the submitters: PubMed 23520115 (cited by 4 submitters); PubMed 33757571 (cited by 3billion and Labcorp Genetics (formerly Invitae), Labcorp); PubMed 37603033 (cited by 3billion and Natera, Inc.); PubMed 33181153 (cited by Natera, Inc. and Women's Health and Genetics/Laboratory Corporation of America, LabCorp); PubMed 38187300 (cited by Natera, Inc. and Women's Health and Genetics/Laboratory Corporation of America, LabCorp); PubMed 32371215 (cited by Natera, Inc. and Women's Health and Genetics/Laboratory Corporation of America, LabCorp).

NM_003060.4(SLC22A5):c.1139C>T (p.Ala380Val)

Gene: SLC22A5 (solute carrier family 22 member 5; plus strand). Cytogenetic location: 5q31.1.
Variant type: single nucleotide variant.
Coding change: c.1139C>T on transcript NM_003060.4 (MANE Select); coding-DNA position 1139, C replaced by T.
Protein change: p.Ala380Val; replaces alanine 380 with valine.
Molecular consequence: missense variant.
Genome position (GRCh38, 1-based): chr5:132,390,776, C>T. VCF-style: chr5-132390776-C-T. GRCh37 (hg19) VCF-style: chr5-131726468-C-T.
Other names: c.1211C>T, p.Ala404Val (NM_001308122.2); short protein forms A380V, A404V.
Identifiers: ClinVar variation 553624 (VCV000553624.16), dbSNP rs746187344, ClinGen allele CA3404089.
Genomic context (GRCh38, chr5:132,390,776, plus strand): 5'-GGCTTTCGCTTGATACTCCTAACTTGCATGGGGACATCTTTGTGAACTGCTTCCTTTCAG[C>T]GATGGTTGAAGTCCCAGCATATGTGTTGGCCTGGCTGCTGCTGCAATATTTGCCCCGGCG-3'
Protein context (NP_003051.1, residues 370-390): GDIFVNCFLS[Ala380Val]MVEVPAYVLA